The following is an entry in ClinVar:

NM_000179.3(MSH6):c.601G>T (p.Glu201Ter)

Gene: MSH6 (mutS homolog 6; plus strand). Cytogenetic location: 2p16.3.
Variant type: single nucleotide variant.
Coding change: c.601G>T on transcript NM_000179.3 (MANE Select); coding-DNA position 601, G replaced by T.
Protein change: p.Glu201Ter; replaces glutamic acid 201 with a stop codon.
Molecular consequence: nonsense. On other transcripts: 5 prime UTR variant (1), intron variant (2).
Genome position (GRCh38, 1-based): chr2:47,796,037, G>T. VCF-style: chr2-47796037-G-T. GRCh37 (hg19) VCF-style: chr2-48023176-G-T.
Other names: c.-302G>T (NM_001281494.2); c.697G>T, p.Glu233Ter (NM_001406795.1, NM_001406802.1); c.601G>T, p.Glu201Ter (NM_001406796.1, NM_001406798.1, NM_001406800.1 and 5 more transcripts); c.304G>T, p.Glu102Ter (NM_001406797.1, NM_001406801.1, NM_001406805.1 and 10 more transcripts); c.76G>T, p.Glu26Ter (NM_001406799.1, NM_001406806.1, NM_001406807.1); c.523G>T, p.Glu175Ter (NM_001406804.1); c.607G>T, p.Glu203Ter (NM_001406813.1); c.-394G>T (NM_001406814.1); and 3 more; short protein forms E102*, E145*, E203*, E175*, E201*, E233*, E26*.
Identifiers: ClinVar variation 1751127 (VCV001751127.2), dbSNP rs2104239639, ClinGen allele CA346738855.

ClinVar aggregate classification (germline): Pathogenic (1 of 4 stars; one submission).

Conditions:
Hereditary cancer-predisposing syndrome. Also called: Hereditary Cancer Syndrome; Hereditary neoplastic syndrome; Neoplastic Syndromes, Hereditary; Tumor predisposition. Identifiers: Orphanet 140162, MedGen C0027672, MeSH D009386, MONDO:0015356.

Submission:

Ambry Genetics
Classification: Pathogenic for Hereditary cancer-predisposing syndrome. Last evaluated: 2021-12-16. Review status: criteria provided, single submitter. Criteria: Ambry Variant Classification Scheme 2023. Collection method: clinical testing. Allele origin: germline.
Comment: The p.E201* pathogenic mutation (also known as c.601G>T), located in coding exon 3 of the MSH6 gene, results from a G to T substitution at nucleotide position 601. This changes the amino acid from a glutamic acid to a stop codon within coding exon 3. This alteration is expected to result in loss of function by premature protein truncation or nonsense-mediated mRNA decay. As such, this alteration is interpreted as a disease-causing mutation.